The following is an entry in ClinVar:

NM_147127.5(EVC2):c.3538del (p.Ala1180fs)

Gene: EVC2 (EvC ciliary complex subunit 2; minus strand). Cytogenetic location: 4p16.2.
Variant type: Deletion.
Coding change: c.3538del on transcript NM_147127.5 (MANE Select); coding-DNA position 3538, one base deleted (G; older notation c.3538delG).
Protein change: p.Ala1180fs; shifts the reading frame from alanine 1180.
Molecular consequence: frameshift variant.
Genome position (GRCh38, 1-based): chr4:5,568,463, C deleted on the plus strand (G on the coding strand, the reverse complement: EVC2 is on the minus strand); the first of 2 consecutive C bases (chr4:5,568,463-5,568,464); deleting either gives the same sequence. VCF-style (leftmost placement, unchanged base first): chr4-5568462-GC-G. GRCh37 (hg19) VCF-style: chr4-5570189-GC-G.
Other names: c.3298del, p.Ala1100fs (NM_001166136.2); short protein forms A1100fs, A1180fs.
Identifiers: ClinVar variation 5004017 (VCV005004017.1).

ClinVar aggregate classification (germline): Pathogenic (1 of 4 stars; one submission).

Conditions:
Ellis-van Creveld syndrome (EVC). Also called: Chondroectodermal dysplasia; MESOECTODERMAL DYSPLASIA. Identifiers: Orphanet 289, MedGen C0013903, MONDO:0009162, OMIM 225500.

Submission:

Myriad Genetics, Inc.
Classification: Pathogenic for Ellis-van Creveld syndrome. Last evaluated: 2025-10-27. Review status: criteria provided, single submitter. Criteria: Myriad Autosomal Dominant, Autosomal Recessive and X-Linked Classification Criteria (2023). Collection method: clinical testing. Allele origin: unknown.
Comment: NM_147127.4(EVC2):c.3538delG(A1180Pfs*16) is a frameshift variant classified as pathogenic in the context of EVC2-related Ellis-van Creveld syndrome. A1180Pfs*16 has not been observed in cases with relevant disease. Relevant functional assessments of this variant are not available in the literature. A1180Pfs*16 has not been observed in referenced population frequency databases. In summary, NM_147127.4(EVC2):c.3538delG(A1180Pfs*16) is a frameshift variant in a gene where loss of function is a known mechanism of disease and is predicted to disrupt protein function. Please note: this variant was assessed in the context of healthy population screening.